The following is an entry in ClinVar:

ClinVar aggregate classification (germline): Uncertain significance (1 of 4 stars; one submission).

Conditions:
Inborn genetic diseases. Identifiers: MedGen C0950123, MeSH D030342.

Submission:

Ambry Genetics
Classification: Uncertain significance for Inborn genetic diseases. Last evaluated: 2021-12-03. Review status: criteria provided, single submitter. Criteria: Ambry Variant Classification Scheme 2023. Collection method: clinical testing. Allele origin: germline.
Comment: The p.S279P variant (also known as c.835T>C), located in coding exon 4 of the SPG11 gene, results from a T to C substitution at nucleotide position 835. The serine at codon 279 is replaced by proline, an amino acid with similar properties. This amino acid position is conserved. In addition, this alteration is predicted to be tolerated by in silico analysis. Since supporting evidence is limited at this time, the clinical significance of this alteration remains unclear.

NM_025137.4(SPG11):c.835T>C (p.Ser279Pro)

Gene: SPG11 (SPG11 vesicle trafficking associated, spatacsin; minus strand). Cytogenetic location: 15q21.1.
Variant type: single nucleotide variant.
Coding change: c.835T>C on transcript NM_025137.4 (MANE Select); coding-DNA position 835, T replaced by C.
Protein change: p.Ser279Pro; replaces serine 279 with proline.
Molecular consequence: missense variant.
Genome position (GRCh38, 1-based): chr15:44,657,129, A>G on the plus strand (T>C on the coding strand, the complement: SPG11 is on the minus strand). VCF-style: chr15-44657129-A-G. GRCh37 (hg19) VCF-style: chr15-44949327-A-G.
Other names: c.835T>C, p.Ser279Pro (NM_001160227.2, NM_001411132.1); short protein forms S279P.
Identifiers: ClinVar variation 1763084 (VCV001763084.2), dbSNP rs2505758067, ClinGen allele CA392237191.
Genomic context (GRCh38, chr15:44,657,129, plus strand): 5'-ATTAGAAACTGCAGTCATCTACATACCTGAAATACAAATTTAAGTTAAGAGCAACTGCGG[A>G]GTTGGAGGAGCTGACAATCACTGCAACATCGAGGTCTTGAGAAACTTTCAGTGAAGTAAA-3'
Protein context (NP_079413.3, residues 269-289): DVAVIVSSSN[Ser279Pro]AVALNLNLYF